The following is an entry in ClinVar:

NM_004984.4(KIF5A):c.1906-4C>T

Gene: KIF5A (kinesin family member 5A; plus strand). Cytogenetic location: 12q13.3.
Variant type: single nucleotide variant.
Coding change: c.1906-4C>T on transcript NM_004984.4 (MANE Select); 4 bases into the intron before coding-DNA position 1906, C replaced by T.
Molecular consequence: intron variant.
Genome position (GRCh38, 1-based): chr12:57,575,636, C>T. VCF-style: chr12-57575636-C-T. GRCh37 (hg19) VCF-style: chr12-57969419-C-T.
Other names: c.1639-4C>T (NM_001354705.2).
Identifiers: ClinVar variation 3049811 (VCV003049811.4), dbSNP rs373563215, ClinGen allele CA6652941.
Genomic context (GRCh38, chr12:57,575,636, plus strand): 5'-CTGTGTGGCCTGGGTTTGTGTCCTTTGCTCCATCTTCTTCCTCTCACCAACTTTCTCCCA[C>T]CAGCATGAGGCCAAGATCCGCTCGCTTACGGAATACATGCAGAGCGTGGAGCTAAAGAAG-3'

ClinVar aggregate classification (germline): Likely benign. Review status: criteria provided, single submitter (1 of 4 stars). 2 submissions from 2 submitters: Likely benign (1). 1 of the submissions does not count toward it. Last evaluated 2024-07-09.

Conditions:
KIF5A-related disorder. Also called: KIF5A-related disorders; KIF5A-related condition.
Spastic paraplegia. Identifiers: MedGen C0037772, HP:0001258.

Allele frequency attached by ClinVar (database versions not stated): gnomAD exomes below 0.00001; TOPMed below 0.00001; ExAC 0.00001; gnomAD 0.00001; ESP Exome Variant Server 0.00008.
gnomAD v4.1: 8 of 1,613,322 alleles (0.0005%); highest among the groups gnomAD compares: Non-Finnish European, 0.00059%; no homozygotes.

Submissions (2):

Labcorp Genetics (formerly Invitae), Labcorp
Classification: Likely benign for Spastic paraplegia. Last evaluated: 2024-07-09. Review status: criteria provided, single submitter. Criteria: Invitae Variant Classification Sherloc (09022015). Collection method: clinical testing. Allele origin: germline.

PreventionGenetics, part of Exact Sciences
Classification: Likely benign for KIF5A-related condition. Last evaluated: 2022-12-19. Review status: no assertion criteria provided. Collection method: clinical testing. Allele origin: germline. Not counted in ClinVar's aggregate classification.
Comment: This variant is classified as likely benign based on ACMG/AMP sequence variant interpretation guidelines (Richards et al. 2015 PMID: 25741868, with internal and published modifications).